The following is an entry in ClinVar:

ClinVar aggregate classification (germline): Pathogenic. Review status: criteria provided, multiple submitters, no conflicts (2 of 4 stars). 5 submissions from 5 submitters: Pathogenic (3). 2 of the submissions do not count toward it. Last evaluated 2025-03-13.

Conditions:
Inborn genetic diseases. Identifiers: MedGen C0950123, MeSH D030342.
RASopathy. Also called: Noonan spectrum disorder; rasopathies. Identifiers: Orphanet 536391, MedGen C5555857, MONDO:0021060.
Noonan syndrome 7 (NS7). Also called: BRAF-Related Noonan Syndrome. Identifiers: Orphanet 648, MedGen C3150970, MONDO:0013379, OMIM 613706.
Noonan syndrome 1 (NS1). Also called: FEMALE PSEUDO-TURNER SYNDROME; PTPN11-Related Noonan Syndrome; TURNER PHENOTYPE WITH NORMAL KARYOTYPE. Identifiers: Orphanet 648, MedGen C4551602, MONDO:0008104, OMIM 163950. Disease mechanism: gain of function.

Submissions (5):

GeneDx
Classification: Pathogenic. Last evaluated: 2025-03-13. Review status: criteria provided, single submitter. Criteria: GeneDx Variant Classification Process June 2021. Collection method: clinical testing. Allele origin: germline. Affected: yes.
Comment: Identified in an individual with Noonan syndrome in published literature (PMID: 19206169); Not observed at significant frequency in large population cohorts (gnomAD); In silico analysis supports that this missense variant has a deleterious effect on protein structure/function; Missense variants in this gene are a common cause of disease and they are underrepresented in the general population; This variant is associated with the following publications: (PMID: 20301303, 15488754, 15520807, 16439621, 17603483, 24957944, 29493581, 37905408, 19206169, 18042262, 17704260, 38882927, 34573299)

Labcorp Genetics (formerly Invitae), Labcorp
Classification: Pathogenic for RASopathy. Last evaluated: 2022-10-31. Review status: criteria provided, single submitter. Criteria: Invitae Variant Classification Sherloc (09022015). Collection method: clinical testing. Allele origin: germline.
Comment: This sequence change replaces threonine, which is neutral and polar, with arginine, which is basic and polar, at codon 241 of the BRAF protein (p.Thr241Arg). This variant is not present in population databases (gnomAD no frequency). This missense change has been observed in individuals with BRAF-related conditions (PMID: 19206169, 34573299). ClinVar contains an entry for this variant (Variation ID: 29806). Advanced modeling of protein sequence and biophysical properties (such as structural, functional, and spatial information, amino acid conservation, physicochemical variation, residue mobility, and thermodynamic stability) performed at Invitae indicates that this missense variant is not expected to disrupt BRAF protein function. This variant disrupts the p.Thr241 amino acid residue in BRAF. Other variant(s) that disrupt this residue have been determined to be pathogenic (PMID: 17704260, 18042262, 19206169). This suggests that this residue is clinically significant, and that variants that disrupt this residue are likely to be disease-causing. For these reasons, this variant has been classified as Pathogenic.

Ambry Genetics
Classification: Pathogenic for Inborn genetic diseases. Last evaluated: 2017-10-25. Review status: criteria provided, single submitter. Criteria: Ambry exome assertion method (8-5-2015). Collection method: clinical testing. Allele origin: germline. Affected: yes. Observed: 1 variant allele.

OMIM
Classification: Pathogenic for NOONAN SYNDROME 7. Last evaluated: 2009-04-01. Review status: no assertion criteria provided. Collection method: literature only. Allele origin: germline. Not counted in ClinVar's aggregate classification.

GeneReviews
No classification provided. Condition: Noonan syndrome 1. Review status: no classification provided. Collection method: literature only. Allele origin: germline. Affected: yes. Not counted in ClinVar's aggregate classification.

Literature cited by the submitters: PubMed 19206169 (cited by 3 submitters); PubMed 34573299 (cited by Labcorp Genetics (formerly Invitae), Labcorp); PubMed 17704260 (cited by Labcorp Genetics (formerly Invitae), Labcorp and Ambry Genetics); PubMed 18042262 (cited by Labcorp Genetics (formerly Invitae), Labcorp); NCBI Bookshelf NBK1124 (cited by GeneReviews).

NM_004333.6(BRAF):c.722C>G (p.Thr241Arg)

Gene: BRAF (B-Raf proto-oncogene, serine/threonine kinase; minus strand). Cytogenetic location: 7q34.
Variant type: single nucleotide variant.
Coding change: c.722C>G on transcript NM_004333.6 (MANE Select); coding-DNA position 722, C replaced by G.
Protein change: p.Thr241Arg; replaces threonine 241 with arginine.
Molecular consequence: missense variant.
Genome position (GRCh38, 1-based): chr7:140,801,550, G>C on the plus strand (C>G on the coding strand, the complement: BRAF is on the minus strand). VCF-style: chr7-140801550-G-C. GRCh37 (hg19) VCF-style: chr7-140501350-G-C.
Other names: c.722C>G, p.Thr241Arg (NM_001354609.2, NM_001374244.1, NM_001374258.1 and 4 more transcripts); c.731C>G, p.Thr244Arg (NM_001378467.1); c.620C>G, p.Thr207Arg (NM_001378470.1); c.566C>G, p.Thr189Arg (NM_001378472.1, NM_001378473.1); c.458C>G, p.Thr153Arg (NM_001378475.1); short protein forms T241R, T153R, T189R, T207R, T244R.
Identifiers: ClinVar variation 29806 (VCV000029806.16), dbSNP rs387906660, ClinGen allele CA259663.